The following is an entry in ClinVar:

NM_000218.3(KCNQ1):c.202GCCGCGCCC[1] (p.68AAP[1])

Gene: KCNQ1 (potassium voltage-gated channel subfamily Q member 1; plus strand). Cytogenetic location: 11p15.5.
Variant type: Microsatellite.
Coding change: c.202GCCGCGCCC[1] on transcript NM_000218.3 (MANE Select); one copy of the 9-base unit GCCGCGCCC starting at c.202; the reference has two copies in a row; one copy, 9 bases deleted.
Protein change: p.68AAP[1].
Molecular consequence: inframe deletion.
Genome position (GRCh38, 1-based): chr11:2,445,309-2,445,317, GCCGCGCCC deleted; deleting any 9 consecutive bases within chr11:2,445,300-2,445,317 gives the same sequence; the position shown is the placement nearest the transcript's 3' end. VCF-style (leftmost placement, unchanged base first): chr11-2445299-GGCCGCGCCC-G. GRCh37 (hg19) VCF-style: chr11-2466529-GGCCGCGCCC-G.
Other names: c.211_219delGCCGCGCCC (NM_000218.3, NM_000218.2).
Identifiers: ClinVar variation 3130 (VCV000003130.19), dbSNP rs397508107, ClinGen allele CA006710.

ClinVar aggregate classification (germline): Uncertain significance. Review status: criteria provided, multiple submitters, no conflicts (2 of 4 stars). 7 submissions from 7 submitters: Uncertain significance (6). 1 of the submissions does not count toward it. Last evaluated 2026-05-28.

Conditions:
Cardiovascular phenotype. Identifiers: MedGen CN230736.
Long QT syndrome 1 (LQT1). Identifiers: Orphanet 101016, Orphanet 768, MedGen C4551647, MONDO:0100316, OMIM 192500, MONDO:0008646.
Jervell and Lange-Nielsen syndrome 1 (JLNS1). Also called: CARDIOAUDITORY SYNDROME OF JERVELL AND LANGE-NIELSEN; DEAFNESS, CONGENITAL, AND FUNCTIONAL HEART DISEASE; PROLONGED QT INTERVAL IN EKG AND SUDDEN DEATH; SURDO-CARDIAC SYNDROME. Identifiers: Orphanet 768, Orphanet 90647, MedGen C4551509, MONDO:0024540, OMIM 220400.
Short QT syndrome type 2. Identifiers: Orphanet 51083, MedGen C1865019, MONDO:0012313, OMIM 609621.
Beckwith-Wiedemann syndrome (BWS). Also called: EMG SYNDROME; Exomphalos macroglossia gigantism syndrome. Identifiers: Orphanet 116, MedGen C0004903, MONDO:0007534, OMIM 130650.
Atrial fibrillation, familial, 3 (ATFB3). Identifiers: MedGen C1837014, MONDO:0011857, OMIM 607554.
Long QT syndrome (LQTS). Identifiers: MedGen C0023976, MeSH D008133, MONDO:0002442. Disease mechanism: loss of function. Inheritance: Various modes of inheritance.

Submissions (7):

Women's Health and Genetics/Laboratory Corporation of America, LabCorp
Classification: Uncertain significance. Last evaluated: 2026-05-28. Review status: criteria provided, single submitter. Criteria: LabCorp Variant Classification Summary - May 2015. Collection method: clinical testing. Allele origin: germline.
Comment: Variant summary: KCNQ1 c.211_219delGCCGCGCCC (p.Ala71_Pro73del) results in an in-frame deletion that is predicted to remove three amino acids from the encoded protein. The frequency data for this variant in gnomAD is considered unreliable, as metrics indicate poor data quality at this position. These report(s) do not provide unequivocal conclusions about association of the variant with disease. To our knowledge, no experimental evidence demonstrating an impact on protein function has been reported. The following publications have been ascertained in the context of this evaluation (PMID: 10511610, 15466642, 19841300). ClinVar contains an entry for this variant (Variation ID: 3130). Based on the evidence outlined above, the variant was classified as uncertain significance.

Labcorp Genetics (formerly Invitae), Labcorp
Classification: Uncertain significance for Long QT syndrome. Last evaluated: 2025-12-09. Review status: criteria provided, single submitter. Criteria: Invitae Variant Classification Sherloc (09022015). Collection method: clinical testing. Allele origin: germline.
Comment: This variant, c.211_219del, results in the deletion of 3 amino acid(s) of the KCNQ1 protein (p.Ala71_Pro73del), but otherwise preserves the integrity of the reading frame. This variant is not present in population databases (gnomAD no frequency). This variant has been observed in individual(s) with long QT syndrome (PMID: 10511610). It has also been observed to segregate with disease in related individuals. ClinVar contains an entry for this variant (Variation ID: 3130). Experimental studies and prediction algorithms are not available or were not evaluated, and the functional significance of this variant is currently unknown. In summary, the available evidence is currently insufficient to determine the role of this variant in disease. Therefore, it has been classified as a Variant of Uncertain Significance.

GeneDx
Classification: Uncertain significance. Last evaluated: 2022-09-14. Review status: criteria provided, single submitter. Criteria: GeneDx Variant Classification Process June 2021. Collection method: clinical testing. Allele origin: germline. Affected: yes.
Comment: Not observed at significant frequency in large population cohorts (gnomAD); In-frame deletion of 3 amino acids in a non-repeat region; In silico analysis, which includes protein predictors and evolutionary conservation, supports that this variant does not alter protein structure/function; This variant is associated with the following publications: (PMID: 12877697, 15466642, 10511610, 29582136)

AiLife Diagnostics
Classification: Uncertain significance. Last evaluated: 2022-01-07. Review status: criteria provided, single submitter. Criteria: ACMG Guidelines, 2015. Collection method: clinical testing. Allele origin: germline. Affected: yes. Observed: 1 variant allele.

Fulgent Genetics
Classification: Uncertain significance for Beckwith-Wiedemann syndrome; Long QT syndrome 1; Jervell and Lange-Nielsen syndrome 1; Atrial fibrillation, familial, 3; Short QT syndrome type 2. Last evaluated: 2021-11-12. Review status: criteria provided, single submitter. Criteria: ACMG Guidelines, 2015. Collection method: clinical testing. Allele origin: unknown.

Ambry Genetics
Classification: Uncertain significance for Cardiovascular phenotype. Last evaluated: 2018-07-27. Review status: criteria provided, single submitter. Criteria: Ambry Variant Classification Scheme 2023. Collection method: clinical testing. Allele origin: germline.
Comment: The c.211_219delGCCGCGCCC variant (also known as p.A71_P73del) is located in coding exon 1 of the KCNQ1 gene. This variant results from an in-frame deletion of 9 nucleotides at positions 211 to 219. This results in the deletion of 3 amino acids between codons 71 and 73. This variant has been described in an individual from Mayo Clinic genetic testing cohorts who suffered a swimming-related sudden cardiac death with documented prolonged QTc measurements and electrolyte imbalances following the event, and who also had an additional KCNQ1 missense variant by some reports (Ackerman MJ et al. N. Engl. J. Med., 1999 Oct;341:1121-5; Nemec J et al. Pacing Clin Electrophysiol, 2003 Aug;26:1660-7; Choi G et al. Circulation, 2004 Oct;110:2119-24; Tester DJ et al. Heart Rhythm, 2005 May;2:507-17). The in-frame deletion was also detected in the individual's mother with prolonged QTc, but without characteristic T-wave findings, and in her sister with a borderline prolonged QTc; however, no information regarding testing for an additional KCNQ1 variant was provided (Ackerman MJ et al. N. Engl. J. Med., 1999 Oct;341:1121-5). Since supporting evidence is limited at this time, the clinical significance of this alteration remains unclear.

OMIM
Classification: Pathogenic for LONG QT SYNDROME 1. Last evaluated: 1999-10-07. Review status: no assertion criteria provided. Collection method: literature only. Allele origin: germline. Not counted in ClinVar's aggregate classification.

Literature cited by the submitters: PubMed 15466642 (cited by Women's Health and Genetics/Laboratory Corporation of America, LabCorp and Ambry Genetics); PubMed 19841300 (cited by Women's Health and Genetics/Laboratory Corporation of America, LabCorp); PubMed 10511610 (cited by 5 submitters); PubMed 12877697 (cited by Ambry Genetics); PubMed 15840476 (cited by Ambry Genetics).